The following is an entry in ClinVar:

ClinVar aggregate classification (germline): Benign (0 of 4 stars; one submission).

Conditions:
XIRP2-related disorder. Also called: XIRP2-related condition.

Allele frequency attached by ClinVar (database versions not stated): gnomAD exomes 0.09396; gnomAD 0.09781; 1000 Genomes Project 30x 0.09916; TOPMed 0.10165; 1000 Genomes Project 0.10264; ExAC 0.13186.
gnomAD v4.1: 68,328 of 716,532 alleles (9.5%); highest among the groups gnomAD compares: Middle Eastern, 18%; 3,835 homozygotes.

Submissions (10):

PreventionGenetics, part of Exact Sciences
Classification: Benign for XIRP2-related condition. Last evaluated: 2019-10-31. Review status: no assertion criteria provided. Collection method: clinical testing. Allele origin: germline.
Comment: This variant is classified as benign based on ACMG/AMP sequence variant interpretation guidelines (Richards et al. 2015 PMID: 25741868, with internal and published modifications).

Dr. Peter K. Rogan Lab, Western University
No classification provided (evidence only). Condition: Lung cancer. Review status: no classification provided. Collection method: in vitro. Allele origin: not applicable. Functional consequence: retained intron. Not counted in ClinVar's aggregate classification.

Dr. Peter K. Rogan Lab, Western University
No classification provided (evidence only). Condition: Acute myeloid leukemia. Review status: no classification provided. Collection method: in vitro. Allele origin: not applicable. Functional consequence: retained intron. Not counted in ClinVar's aggregate classification.

Dr. Peter K. Rogan Lab, Western University
No classification provided (evidence only). Condition: Ovarian serous cystadenocarcinoma. Review status: no classification provided. Collection method: in vitro. Allele origin: not applicable. Functional consequence: retained intron. Not counted in ClinVar's aggregate classification.

Dr. Peter K. Rogan Lab, Western University
No classification provided (evidence only). Condition: Nonpapillary renal cell carcinoma. Review status: no classification provided. Collection method: in vitro. Allele origin: not applicable. Functional consequence: retained intron. Not counted in ClinVar's aggregate classification.

Dr. Peter K. Rogan Lab, Western University
No classification provided (evidence only). Condition: Familial pancreatic carcinoma. Review status: no classification provided. Collection method: in vitro. Allele origin: not applicable. Functional consequence: retained intron. Not counted in ClinVar's aggregate classification.

Dr. Peter K. Rogan Lab, Western University
No classification provided (evidence only). Condition: Familial pancreatic carcinoma. Review status: no classification provided. Collection method: in vitro. Allele origin: not applicable. Functional consequence: retained intron. Not counted in ClinVar's aggregate classification.

Dr. Peter K. Rogan Lab, Western University
No classification provided (evidence only). Condition: Familial pancreatic carcinoma. Review status: no classification provided. Collection method: in vitro. Allele origin: not applicable. Functional consequence: skipped exon. Not counted in ClinVar's aggregate classification.

Dr. Peter K. Rogan Lab, Western University
No classification provided (evidence only). Condition: Hepatocellular carcinoma. Review status: no classification provided. Collection method: in vitro. Allele origin: not applicable. Functional consequence: retained intron. Not counted in ClinVar's aggregate classification.

Dr. Peter K. Rogan Lab, Western University
No classification provided (evidence only). Condition: Lymphoma. Review status: no classification provided. Collection method: in vitro. Allele origin: not applicable. Functional consequence: skipped exon. Not counted in ClinVar's aggregate classification.

NM_152381.6(XIRP2):c.563-26093T>C

Gene: XIRP2 (xin actin binding repeat containing 2; plus strand). Cytogenetic location: 2q24.3.
Variant type: single nucleotide variant.
Coding change: c.563-26093T>C on transcript NM_152381.6 (MANE Select); 26093 bases into the intron before coding-DNA position 563, T replaced by C.
Molecular consequence: intron variant. On other transcripts: splice donor variant (1).
Genome position (GRCh38, 1-based): chr2:167,184,642, T>C. VCF-style: chr2-167184642-T-C. GRCh37 (hg19) VCF-style: chr2-168041152-T-C.
Other names: NC_000002.11:g.168041152T>C; c.661+2T>C (NM_001199143.2); c.563-26093T>C (NM_001079810.4).
Identifiers: ClinVar variation 3056174 (VCV003056174.3), dbSNP rs16853169, ClinGen allele CA1946208.